The following is an entry in ClinVar:

ClinVar aggregate classification (germline): Uncertain significance. Review status: criteria provided, multiple submitters, no conflicts (2 of 4 stars). 2 submissions from 2 submitters: Uncertain significance (2). Last evaluated 2026-04-01.

Conditions:
Inborn genetic diseases. Identifiers: MedGen C0950123, MeSH D030342.
Parenti-mignot neurodevelopmental syndrome. Identifiers: MedGen C5676984, MONDO:0859249, OMIM 619873.

gnomAD v4.1: 3 of 1,600,720 alleles (0.00019%); highest among the groups gnomAD compares: African/African-American, 0.0013%; no homozygotes.

Submissions (2):

Ambry Genetics
Classification: Uncertain significance for Inborn genetic diseases. Last evaluated: 2026-04-01. Review status: criteria provided, single submitter. Criteria: Ambry Variant Classification Scheme 2023. Collection method: clinical testing. Allele origin: germline.

3billion
Classification: Uncertain significance for Parenti-mignot neurodevelopmental syndrome. Last evaluated: 2023-08-26. Review status: criteria provided, single submitter. Criteria: ACMG Guidelines, 2015. Collection method: clinical testing. Allele origin: germline. Affected: yes.
Comment: The variant is not observed in the gnomAD v2.1.1 dataset. Predicted Consequence/Location: Missense variant In silico tool predictions suggest damaging effect of the variant on gene or gene product [REVEL: 0.61 (>=0.6, sensitivity 0.68 and specificity 0.92)]. Therefore, this variant is classified as VUS according to the recommendation of ACMG/AMP guideline.

NM_015557.3(CHD5):c.4225C>T (p.Pro1409Ser)

Gene: CHD5 (chromodomain helicase DNA binding protein 5; minus strand). Cytogenetic location: 1p36.31.
Variant type: single nucleotide variant.
Coding change: c.4225C>T on transcript NM_015557.3 (MANE Select); coding-DNA position 4225, C replaced by T.
Protein change: p.Pro1409Ser; replaces proline 1409 with serine.
Molecular consequence: missense variant.
Genome position (GRCh38, 1-based): chr1:6,125,559, G>A on the plus strand (C>T on the coding strand, the complement: CHD5 is on the minus strand). VCF-style: chr1-6125559-G-A. GRCh37 (hg19) VCF-style: chr1-6185619-G-A.
Other names: c.4225C>T (NM_015557.2); short protein forms P1409S.
Identifiers: ClinVar variation 3775768 (VCV003775768.2).